The following is an entry in ClinVar:

ClinVar aggregate classification (germline): Uncertain significance. Review status: criteria provided, multiple submitters, no conflicts (2 of 4 stars). 2 submissions from 2 submitters: Uncertain significance (2). Last evaluated 2026-04-17.

Submissions (2):

GeneDx
Classification: Uncertain significance. Last evaluated: 2026-04-17. Review status: criteria provided, single submitter. Criteria: GeneDx Variant Classification Process June 2021. Collection method: clinical testing. Allele origin: germline.
Comment: Not observed at significant frequency in large population cohorts (gnomAD); In silico analysis supports that this missense variant has a deleterious effect on protein structure/function; Has not been previously published as pathogenic or benign to our knowledge

Dasa
Classification: Uncertain significance. Last evaluated: 2025-01-10. Review status: criteria provided, single submitter. Criteria: DASA Assertion Criteria. Collection method: clinical testing. Allele origin: germline.
Comment: NM_015267.4(CUX2):c.3181A>G (p.Thr1061Ala) is a missense variant that results in the substitution of threonine with alanine. This variant is absent from population databases. Computational prediction algorithms are consistent with a benign effect. The currently available literature and clinical evidence are not sufficient to establish a definitive association between this variant and the reported condition. Therefore, this variant is classified as a variant of uncertain significance.

NM_015267.4(CUX2):c.3181A>G (p.Thr1061Ala)

Gene: CUX2 (cut like homeobox 2; plus strand). Cytogenetic location: 12q24.12.
Variant type: single nucleotide variant.
Coding change: c.3181A>G on transcript NM_015267.4 (MANE Select); coding-DNA position 3181, A replaced by G.
Protein change: p.Thr1061Ala; replaces threonine 1061 with alanine.
Molecular consequence: missense variant.
Genome position (GRCh38, 1-based): chr12:111,334,695, A>G. VCF-style: chr12-111334695-A-G. GRCh37 (hg19) VCF-style: chr12-111772499-A-G.
Other names: c.2995A>G, p.Thr999Ala (NM_001370598.1); c.3181A>G (NM_015267.3); short protein forms T1061A, T999A.
Identifiers: ClinVar variation 4885718 (VCV004885718.3).